The following is an entry in ClinVar:

NM_033004.4(NLRP1):c.2468C>T (p.Ser823Phe)

Gene: NLRP1 (NLR family pyrin domain containing 1; minus strand). Cytogenetic location: 17p13.2.
Variant type: single nucleotide variant.
Coding change: c.2468C>T on transcript NM_033004.4 (MANE Select); coding-DNA position 2468, C replaced by T.
Protein change: p.Ser823Phe; replaces serine 823 with phenylalanine.
Molecular consequence: missense variant.
Genome position (GRCh38, 1-based): chr17:5,553,446, G>A on the plus strand (C>T on the coding strand, the complement: NLRP1 is on the minus strand). VCF-style: chr17-5553446-G-A. GRCh37 (hg19) VCF-style: chr17-5456766-G-A.
Other names: c.2468C>T, p.Ser823Phe (NM_001033053.3, NM_014922.5, NM_033006.4 and 1 more transcripts); c.2468C>T (NM_033004.3); short protein forms S823F.
Identifiers: ClinVar variation 1470648 (VCV001470648.7), dbSNP rs200269854, ClinGen allele CA8327159.

ClinVar aggregate classification (germline): Uncertain significance. Review status: criteria provided, multiple submitters, no conflicts (2 of 4 stars). 2 submissions from 2 submitters: Uncertain significance (2). Last evaluated 2025-03-05.

Conditions:
Inborn genetic diseases. Identifiers: MedGen C0950123, MeSH D030342.

Allele frequency attached by ClinVar (database versions not stated): gnomAD exomes below 0.00001 and 0.00001; ExAC 0.00001; TOPMed 0.00002; gnomAD 0.00003 and 0.00004.
gnomAD v4.1: 9 of 1,614,102 alleles (0.00056%); highest among the groups gnomAD compares: Non-Finnish European, 0.00076%; no homozygotes.

Submissions (2):

Ambry Genetics
Classification: Uncertain significance for Inborn genetic diseases. Last evaluated: 2025-03-05. Review status: criteria provided, single submitter. Criteria: Ambry Variant Classification Scheme 2023. Collection method: clinical testing. Allele origin: germline.

Labcorp Genetics (formerly Invitae), Labcorp
Classification: Uncertain significance. Last evaluated: 2025-01-27. Review status: criteria provided, single submitter. Criteria: Invitae Variant Classification Sherloc (09022015). Collection method: clinical testing. Allele origin: germline.
Comment: This sequence change replaces serine, which is neutral and polar, with phenylalanine, which is neutral and non-polar, at codon 823 of the NLRP1 protein (p.Ser823Phe). This variant is present in population databases (rs200269854, gnomAD 0.002%). This variant has not been reported in the literature in individuals affected with NLRP1-related conditions. ClinVar contains an entry for this variant (Variation ID: 1470648). An algorithm developed to predict the effect of missense changes on protein structure and function (PolyPhen-2) suggests that this variant is likely to be tolerated. In summary, the available evidence is currently insufficient to determine the role of this variant in disease. Therefore, it has been classified as a Variant of Uncertain Significance.